The following is an entry in ClinVar:

NM_000213.5(ITGB4):c.4428C>A (p.His1476Gln)

Genes: GALK1 (galactokinase 1; minus strand), ITGB4 (integrin subunit beta 4; plus strand). Cytogenetic location: 17q25.1.
Variant type: single nucleotide variant.
Coding change: c.4428C>A on transcript NM_000213.5 (MANE Select); coding-DNA position 4428, C replaced by A.
Protein change: p.His1476Gln; replaces histidine 1476 with glutamine.
Molecular consequence: missense variant. On other transcripts: intron variant (1).
Genome position (GRCh38, 1-based): chr17:75,754,685, C>A. VCF-style: chr17-75754685-C-A. GRCh37 (hg19) VCF-style: chr17-73750766-C-A.
Other names: c.4218C>A, p.His1406Gln (NM_001005619.2, NM_001005731.3, NM_001321123.2 and 1 more transcripts); c.*23-2948G>T (NM_001381985.1); short protein forms H1406Q, H1476Q.
Identifiers: ClinVar variation 2628894 (VCV002628894.1), dbSNP rs931501406, ClinGen allele CA294084517.

ClinVar aggregate classification (germline): Uncertain significance. Review status: criteria provided, multiple submitters, no conflicts (2 of 4 stars). 2 submissions from 2 submitters: Uncertain significance (2). Last evaluated 2025-04-17.

Conditions:
ITGB4-related disorder. Also called: ITGB4-related condition.

gnomAD v4.1: 27 of 1,614,156 alleles (0.0017%); highest among the groups gnomAD compares: Non-Finnish European, 0.002%; no homozygotes.

Submissions (2):

Labcorp Genetics (formerly Invitae), Labcorp
Classification: Uncertain significance. Last evaluated: 2025-04-17. Review status: criteria provided, single submitter. Criteria: Invitae Variant Classification Sherloc (09022015). Collection method: clinical testing. Allele origin: germline.
Comment: This sequence change replaces histidine, which is basic and polar, with glutamine, which is neutral and polar, at codon 1406 of the ITGB4 protein (p.His1406Gln). This variant is present in population databases (no rsID available, gnomAD 0.003%). This variant has not been reported in the literature in individuals affected with ITGB4-related conditions. ClinVar contains an entry for this variant (Variation ID: 2628894). An algorithm developed to predict the effect of missense changes on protein structure and function outputs the following: PolyPhen-2: "Benign". The glutamine amino acid residue is found in multiple mammalian species, which suggests that this missense change does not adversely affect protein function. In summary, the available evidence is currently insufficient to determine the role of this variant in disease. Therefore, it has been classified as a Variant of Uncertain Significance.

PreventionGenetics, part of Exact Sciences
Classification: Uncertain significance for ITGB4-related condition. Last evaluated: 2023-02-12. Review status: criteria provided, single submitter. Criteria: ACMG Guidelines, 2015. Collection method: clinical testing. Allele origin: germline.
Comment: The ITGB4 c.4428C>A variant is predicted to result in the amino acid substitution p.His1476Gln. To our knowledge, this variant has not been reported in the literature. This variant is reported in 0.0029% of alleles in individuals of Latino descent in gnomAD. At this time, the clinical significance of this variant is uncertain due to the absence of conclusive functional and genetic evidence.